The following is an entry in ClinVar:

NM_006486.3(FBLN1):c.1871C>T (p.Pro624Leu)

Gene: FBLN1 (fibulin 1; plus strand). Cytogenetic location: 22q13.31.
Variant type: single nucleotide variant.
Coding change: c.1871C>T on transcript NM_006486.3 (MANE Select); coding-DNA position 1871, C replaced by T.
Protein change: p.Pro624Leu; replaces proline 624 with leucine.
Molecular consequence: missense variant.
Genome position (GRCh38, 1-based): chr22:45,577,007, C>T. VCF-style: chr22-45577007-C-T. GRCh37 (hg19) VCF-style: chr22-45972887-C-T.
Other names: short protein forms P624L.
Identifiers: ClinVar variation 3623469 (VCV003623469.12).
Genomic context (GRCh38, chr22:45,577,007, plus strand): 5'-TGAGCCCTTCTCCATTCTGTGCCTCTGCAGAGATCATCTTCCTCCGGGCCATCACGCCAC[C>T]GCATCCTGCCAGCCAGGCTAACATCATCTTCGACATCACGGAAGGGAACCTGCGGGACTC-3'
Protein context (NP_006477.3, residues 614-634): EIIFLRAITP[Pro624Leu]HPASQANIIF

ClinVar aggregate classification (germline): Conflicting classifications of pathogenicity. Review status: criteria provided, conflicting classifications (1 of 4 stars). 2 submissions from 2 submitters: Uncertain significance (1); Likely benign (1). Last evaluated 2025-04-01.

gnomAD v4.1: 161 of 1,614,016 alleles (0.01%); highest among the groups gnomAD compares: South Asian, 0.034%; 1 homozygote.

Submissions (2):

CeGaT Center for Human Genetics Tuebingen
Classification: Likely benign. Last evaluated: 2025-04-01. Review status: criteria provided, single submitter. Criteria: CeGaT Center For Human Genetics Tuebingen Variant Classification Criteria Version 2. Collection method: clinical testing. Allele origin: germline. Affected: yes. Observed: 1 variant allele.
Comment: FBLN1: BP4

Labcorp Genetics (formerly Invitae), Labcorp
Classification: Uncertain significance. Last evaluated: 2024-02-23. Review status: criteria provided, single submitter. Criteria: Invitae Variant Classification Sherloc (09022015). Collection method: clinical testing. Allele origin: germline.
Comment: This sequence change replaces proline, which is neutral and non-polar, with leucine, which is neutral and non-polar, at codon 624 of the FBLN1 protein (p.Pro624Leu). This variant is present in population databases (rs200716122, gnomAD 0.04%). This variant has not been reported in the literature in individuals affected with FBLN1-related conditions. Algorithms developed to predict the effect of missense changes on protein structure and function output the following: SIFT: "Not Available"; PolyPhen-2: "Probably Damaging"; Align-GVGD: "Not Available". The leucine amino acid residue is found in multiple mammalian species, which suggests that this missense change does not adversely affect protein function. In summary, the available evidence is currently insufficient to determine the role of this variant in disease. Therefore, it has been classified as a Variant of Uncertain Significance.